The following is an entry in ClinVar:

ClinVar aggregate classification (germline): Uncertain significance (1 of 4 stars; one submission).

Conditions:
Familial hypocalciuric hypercalcemia (FHH). Also called: Familial benign hypercalcemia. Identifiers: Orphanet 405, MedGen C1809471, MONDO:0018458.
Autosomal dominant hypocalcemia 1 (HYPOC1). Also called: HYPOCALCEMIA, FAMILIAL. Identifiers: MedGen C3715128, MONDO:0011013, OMIM 601198.

Submission:

Labcorp Genetics (formerly Invitae), Labcorp
Classification: Uncertain significance for Familial hypocalciuric hypercalcemia; Autosomal dominant hypocalcemia 1. Last evaluated: 2025-04-02. Review status: criteria provided, single submitter. Criteria: Invitae Variant Classification Sherloc (09022015). Collection method: clinical testing. Allele origin: germline.
Comment: This sequence change replaces phenylalanine, which is neutral and non-polar, with leucine, which is neutral and non-polar, at codon 801 of the CASR protein (p.Phe801Leu). This variant is not present in population databases (gnomAD no frequency). This missense change has been observed in individual(s) with CASR-related conditions (PMID: 26963950). An algorithm developed to predict the effect of missense changes on protein structure and function (PolyPhen-2) suggests that this variant is likely to be disruptive. In summary, the available evidence is currently insufficient to determine the role of this variant in disease. Therefore, it has been classified as a Variant of Uncertain Significance.

Literature cited by the submitters: PubMed 26963950.

NM_000388.4(CASR):c.2401T>C (p.Phe801Leu)

Gene: CASR (calcium sensing receptor; plus strand). Cytogenetic location: 3q21.1.
Variant type: single nucleotide variant.
Coding change: c.2401T>C on transcript NM_000388.4 (MANE Select); coding-DNA position 2401, T replaced by C.
Protein change: p.Phe801Leu; replaces phenylalanine 801 with leucine.
Molecular consequence: missense variant.
Genome position (GRCh38, 1-based): chr3:122,284,355, T>C. VCF-style: chr3-122284355-T-C. GRCh37 (hg19) VCF-style: chr3-122003202-T-C.
Other names: c.2431T>C, p.Phe811Leu (NM_001178065.2); short protein forms F811L, F801L.
Identifiers: ClinVar variation 4783628 (VCV004783628.1).